The following is an entry in ClinVar:

ClinVar aggregate classification (germline): Uncertain significance (1 of 4 stars; one submission).

Conditions:
Primary ciliary dyskinesia. Also called: Ciliary dyskinesia. Identifiers: Orphanet 244, MedGen C0008780, MONDO:0016575, HP:0012265.

gnomAD v4.1: 81 of 1,613,164 alleles (0.005%); highest among the groups gnomAD compares: South Asian, 0.083%; no homozygotes.

Submission:

Labcorp Genetics (formerly Invitae), Labcorp
Classification: Uncertain significance for Primary ciliary dyskinesia. Last evaluated: 2025-11-24. Review status: criteria provided, single submitter. Criteria: Invitae Variant Classification Sherloc (09022015). Collection method: clinical testing. Allele origin: germline.
Comment: This sequence change replaces arginine, which is basic and polar, with glycine, which is neutral and non-polar, at codon 351 of the CCDC40 protein (p.Arg351Gly). This variant is present in population databases (rs369698429, gnomAD 0.08%). This variant has not been reported in the literature in individuals affected with CCDC40-related conditions. ClinVar contains an entry for this variant (Variation ID: 2173826). Invitae Evidence Modeling of protein sequence and biophysical properties (such as structural, functional, and spatial information, amino acid conservation, physicochemical variation, residue mobility, and thermodynamic stability) has been performed for this missense variant. However, the output from this modeling did not meet the statistical confidence thresholds required to predict the impact of this variant on CCDC40 protein function. In summary, the available evidence is currently insufficient to determine the role of this variant in disease. Therefore, it has been classified as a Variant of Uncertain Significance.

NM_017950.4(CCDC40):c.1051C>G (p.Arg351Gly)

Gene: CCDC40 (coiled-coil domain 40 molecular ruler complex subunit; plus strand). Cytogenetic location: 17q25.3.
Variant type: single nucleotide variant.
Coding change: c.1051C>G on transcript NM_017950.4 (MANE Select); coding-DNA position 1051, C replaced by G.
Protein change: p.Arg351Gly; replaces arginine 351 with glycine.
Molecular consequence: missense variant.
Genome position (GRCh38, 1-based): chr17:80,050,175, C>G. VCF-style: chr17-80050175-C-G. GRCh37 (hg19) VCF-style: chr17-78023974-C-G.
Other names: c.1051C>G, p.Arg351Gly (NM_001243342.2, NM_001330508.2); short protein forms R351G.
Identifiers: ClinVar variation 2173826 (VCV002173826.2), dbSNP rs369698429, ClinGen allele CA8813663.